The following is an entry in ClinVar:

NM_000083.3(CLCN1):c.2197C>T (p.Pro733Ser)

Gene: CLCN1 (chloride voltage-gated channel 1; plus strand). Cytogenetic location: 7q34.
Variant type: single nucleotide variant.
Coding change: c.2197C>T on transcript NM_000083.3 (MANE Select); coding-DNA position 2197, C replaced by T.
Protein change: p.Pro733Ser; replaces proline 733 with serine.
Molecular consequence: missense variant. On other transcripts: non-coding transcript variant (1).
Genome position (GRCh38, 1-based): chr7:143,346,164, C>T. VCF-style: chr7-143346164-C-T. GRCh37 (hg19) VCF-style: chr7-143043257-C-T.
Other names: short protein forms P733S.
Identifiers: ClinVar variation 840870 (VCV000840870.8), dbSNP rs780173260, ClinGen allele CA4537587.
Genomic context (GRCh38, chr7:143,346,164, plus strand): 5'-TGCTCCCAGGCTGAGACTTCTTACTCTTCCTTACAGCTTCCTCCTTCCCTTGCTCTCCAC[C>T]CCTCTACTACTGCCCCTCTGTCCCCAGAAGAGCCCAATGGGCCTCTGCCTGGCCACAAAC-3'
Protein context (NP_000074.3, residues 723-743): SELPPSLALH[Pro733Ser]STTAPLSPEE

ClinVar aggregate classification (germline): Uncertain significance (1 of 4 stars; one submission).

Conditions:
Congenital myotonia, autosomal dominant form (THD). Also called: THOMSEN DISEASE; Myotonia congenita autosomal dominant. Identifiers: Orphanet 614, MedGen C2936781, MONDO:0008055, OMIM 160800.
Congenital myotonia, autosomal recessive form. Also called: Becker Generalized Myotonia; myotonia congenita, autosomal recessive; BECKER DISEASE. Identifiers: Orphanet 614, MedGen C0751360, MONDO:0009715, OMIM 255700.

Allele frequency attached by ClinVar (database versions not stated): ExAC 0.00002; TOPMed 0.00002; gnomAD 0.00004.
gnomAD v4.1: 10 of 1,612,174 alleles (0.00062%); highest among the groups gnomAD compares: African/African-American, 0.012%; no homozygotes.

Submission:

Labcorp Genetics (formerly Invitae), Labcorp
Classification: Uncertain significance for Congenital myotonia, autosomal recessive form; Congenital myotonia, autosomal dominant form. Last evaluated: 2024-03-16. Review status: criteria provided, single submitter. Criteria: Invitae Variant Classification Sherloc (09022015). Collection method: clinical testing. Allele origin: germline.
Comment: This sequence change replaces proline, which is neutral and non-polar, with serine, which is neutral and polar, at codon 733 of the CLCN1 protein (p.Pro733Ser). This variant is present in population databases (rs780173260, gnomAD 0.02%). This variant has not been reported in the literature in individuals affected with CLCN1-related conditions. ClinVar contains an entry for this variant (Variation ID: 840870). Advanced modeling of protein sequence and biophysical properties (such as structural, functional, and spatial information, amino acid conservation, physicochemical variation, residue mobility, and thermodynamic stability) performed at Invitae indicates that this missense variant is not expected to disrupt CLCN1 protein function with a negative predictive value of 95%. In summary, the available evidence is currently insufficient to determine the role of this variant in disease. Therefore, it has been classified as a Variant of Uncertain Significance.